The following is an entry in ClinVar:

ClinVar aggregate classification (germline): Likely benign. Review status: criteria provided, multiple submitters, no conflicts (2 of 4 stars). 2 submissions from 2 submitters: Likely benign (2). Last evaluated 2026-08-20.

Conditions:
DTHD1-related disorder. Also called: DTHD1-related condition.

gnomAD v4.1: 133 of 1,537,162 alleles (0.0087%); highest among the groups gnomAD compares: African/African-American, 0.16%; no homozygotes.

Submissions (2):

PreventionGenetics, part of Exact Sciences
Classification: Likely benign for DTHD1-related condition. Last evaluated: 2026-08-20. Review status: criteria provided, single submitter. Criteria: ACMG Guidelines, 2015. Collection method: clinical testing. Allele origin: germline.
Comment: This variant is classified as likely benign based on ACMG/AMP sequence variant interpretation guidelines (Richards et al. 2015 PMID: 25741868, with internal and published modifications).

Blueprint Genetics
Classification: Likely benign. Last evaluated: 2023-12-07. Review status: criteria provided, single submitter. Criteria: ACMG Guidelines, 2015. Collection method: clinical testing. Allele origin: germline.

NM_001170700.3(DTHD1):c.736A>G (p.Thr246Ala)

Gene: DTHD1 (death domain containing 1; plus strand). Cytogenetic location: 4p14.
Variant type: single nucleotide variant.
Coding change: c.736A>G on transcript NM_001170700.3 (MANE Select); coding-DNA position 736, A replaced by G.
Protein change: p.Thr246Ala; replaces threonine 246 with alanine.
Molecular consequence: missense variant. On other transcripts: non-coding transcript variant (2), intron variant (2).
Genome position (GRCh38, 1-based): chr4:36,284,440, A>G. VCF-style: chr4-36284440-A-G. GRCh37 (hg19) VCF-style: chr4-36286062-A-G.
Other names: c.17+2411A>G (NM_001136536.5, NM_001378435.1); c.361A>G (NM_001170700.2); short protein forms T246A.
Identifiers: ClinVar variation 4966815 (VCV004966815.2).
Genomic context (GRCh38, chr4:36,284,440, plus strand): 5'-CACATGACTGTTGAGAACATAAATGGCAACAGGGAAGAGACTCATGGCATAATTCAGACA[A>G]CAGAGACAGAAATTCAAGAGACTTCAGAAAGCCCAAGAGAAGAGATGACCACATCCTCAA-3'
Protein context (NP_001164171.2, residues 236-256): REETHGIIQT[Thr246Ala]ETEIQETSES